The following is an entry in ClinVar:

ClinVar aggregate classification (germline): Uncertain significance (1 of 4 stars; one submission).

Conditions:
Vici syndrome (VICIS). Identifiers: Orphanet 1493, MedGen C1855772, MONDO:0009452, OMIM 242840.

Allele frequency attached by ClinVar (database versions not stated): gnomAD exomes below 0.00001.
gnomAD v4.1: 1 of 1,606,660 alleles (0.000062%); highest among the groups gnomAD compares: South Asian, 0.0011%; no homozygotes.

Submission:

Labcorp Genetics (formerly Invitae), Labcorp
Classification: Uncertain significance for Vici syndrome. Last evaluated: 2021-09-17. Review status: criteria provided, single submitter. Criteria: Invitae Variant Classification Sherloc (09022015). Collection method: clinical testing. Allele origin: germline.
Comment: This sequence change replaces aspartic acid with valine at codon 2023 of the EPG5 protein (p.Asp2023Val). The aspartic acid residue is moderately conserved and there is a large physicochemical difference between aspartic acid and valine. This variant is not present in population databases (ExAC no frequency). This variant has not been reported in the literature in individuals with EPG5-related conditions. Algorithms developed to predict the effect of missense changes on protein structure and function (SIFT, PolyPhen-2, Align-GVGD) all suggest that this variant is likely to be tolerated, but these predictions have not been confirmed by published functional studies and their clinical significance is uncertain. In summary, the available evidence is currently insufficient to determine the role of this variant in disease. Therefore, it has been classified as a Variant of Uncertain Significance.

NM_020964.3(EPG5):c.6068A>T (p.Asp2023Val)

Gene: EPG5 (ectopic P-granules 5 autophagy tethering factor; minus strand). Cytogenetic location: 18q12.3.
Variant type: single nucleotide variant.
Coding change: c.6068A>T on transcript NM_020964.3 (MANE Select); coding-DNA position 6068, A replaced by T.
Protein change: p.Asp2023Val; replaces aspartic acid 2023 with valine.
Molecular consequence: missense variant.
Genome position (GRCh38, 1-based): chr18:45,870,724, T>A on the plus strand (A>T on the coding strand, the complement: EPG5 is on the minus strand). VCF-style: chr18-45870724-T-A. GRCh37 (hg19) VCF-style: chr18-43450689-T-A.
Other names: short protein forms D2023V.
Identifiers: ClinVar variation 1472635 (VCV001472635.6), dbSNP rs2145310998, ClinGen allele CA402340964.